The following is an entry in ClinVar:

NM_015338.6(ASXL1):c.679C>A (p.Pro227Thr)

Gene: ASXL1 (ASXL transcriptional regulator 1; plus strand). Cytogenetic location: 20q11.21.
Variant type: single nucleotide variant.
Coding change: c.679C>A on transcript NM_015338.6 (MANE Select); coding-DNA position 679, C replaced by A.
Protein change: p.Pro227Thr; replaces proline 227 with threonine.
Molecular consequence: missense variant. On other transcripts: intron variant (1).
Genome position (GRCh38, 1-based): chr20:32,430,014, C>A. VCF-style: chr20-32430014-C-A. GRCh37 (hg19) VCF-style: chr20-31017817-C-A.
Other names: c.535+583C>A (NM_001363734.1); short protein forms P227T.
Identifiers: ClinVar variation 4159417 (VCV004159417.1).

ClinVar aggregate classification (germline): Uncertain significance (1 of 4 stars; one submission).

Conditions:
Inborn genetic diseases. Identifiers: MedGen C0950123, MeSH D030342.

gnomAD v4.1: 1 of 1,607,722 alleles (0.000062%); highest among the groups gnomAD compares: Non-Finnish European, 0.000085%; no homozygotes.

Submission:

Ambry Genetics
Classification: Uncertain significance for Inborn genetic diseases. Last evaluated: 2025-09-01. Review status: criteria provided, single submitter. Criteria: Ambry Variant Classification Scheme 2023. Collection method: clinical testing. Allele origin: germline.
Comment: The p.P227T variant (also known as c.679C>A), located in coding exon 8 of the ASXL1 gene, results from a C to A substitution at nucleotide position 679. The proline at codon 227 is replaced by threonine, an amino acid with highly similar properties. This amino acid position is conserved. In addition, this alteration is predicted to be tolerated by in silico analysis. Based on the available evidence, the clinical significance of this variant remains unclear.